The following is an entry in ClinVar:

NM_000059.4(BRCA2):c.5655_5656dup (p.Gln1886fs)

Gene: BRCA2 (BRCA2 DNA repair associated; plus strand). Cytogenetic location: 13q13.1.
Variant type: Duplication.
Coding change: c.5655_5656dup on transcript NM_000059.4 (MANE Select); coding-DNA positions 5655 to 5656, 2 bases duplicated (CC; older notation c.5655_5656dupCC).
Protein change: p.Gln1886fs; shifts the reading frame from glutamine 1886.
Molecular consequence: frameshift variant.
Genome position (GRCh38, 1-based): chr13:32,340,010-32,340,011, CC duplicated. VCF-style (leftmost placement, unchanged base first): chr13-32340009-G-GCC. GRCh37 (hg19) VCF-style: chr13-32914146-G-GCC.
Other names: 5883insCC; c.5655_5656dupCC (NM_000059.3); short protein forms Q1886fs.
Identifiers: ClinVar variation 254562 (VCV000254562.2), dbSNP rs276174861, ClinGen allele CA022865.

ClinVar aggregate classification (germline): Pathogenic. Review status: reviewed by expert panel (3 of 4 stars). 2 submissions from 2 submitters: Pathogenic (1). 1 of the submissions does not count toward it. Last evaluated 2016-09-08.

Conditions:
Breast-ovarian cancer, familial, susceptibility to, 2 (BROVCA2). Also called: BRCA2 Hereditary Breast and Ovarian Cancer. Identifiers: Orphanet 145, MedGen C2675520, MONDO:0012933, OMIM 612555. Disease mechanism: loss of function.

Submissions (2):

Evidence-based Network for the Interpretation of Germline Mutant Alleles (ENIGMA)
Classification: Pathogenic for Breast-ovarian cancer, familial, susceptibility to, 2. Last evaluated: 2016-09-08. Review status: reviewed by expert panel. Criteria: ENIGMA BRCA1/2 Classification Criteria (2015). Collection method: curation. Allele origin: germline.
Comment: Variant allele predicted to encode a truncated non-functional protein.

Breast Cancer Information Core (BIC) (BRCA2)
Classification: Pathogenic for Breast-ovarian cancer, familial 2. Last evaluated: 2005-02-27. Review status: no assertion criteria provided. Collection method: clinical testing. Allele origin: germline. Affected: yes. Observed: 1 variant allele. Not counted in ClinVar's aggregate classification.